The following is an entry in ClinVar:

NM_002335.4(LRP5):c.1123G>A (p.Ala375Thr)

Gene: LRP5 (LDL receptor related protein 5; plus strand). Cytogenetic location: 11q13.2.
Variant type: single nucleotide variant.
Coding change: c.1123G>A on transcript NM_002335.4 (MANE Select); coding-DNA position 1123, G replaced by A.
Protein change: p.Ala375Thr; replaces alanine 375 with threonine.
Molecular consequence: missense variant. On other transcripts: 5 prime UTR variant (1).
Genome position (GRCh38, 1-based): chr11:68,386,423, G>A. VCF-style: chr11-68386423-G-A. GRCh37 (hg19) VCF-style: chr11-68153891-G-A.
Other names: c.-643G>A (NM_001291902.2); short protein forms A375T.
Identifiers: ClinVar variation 2884039 (VCV002884039.3), dbSNP rs750784979, ClinGen allele CA6149255.

ClinVar aggregate classification (germline): Likely pathogenic (1 of 4 stars; one submission).

Allele frequency attached by ClinVar (database versions not stated): TOPMed below 0.00001.
gnomAD v4.1: 9 of 1,614,048 alleles (0.00056%); highest among the groups gnomAD compares: South Asian, 0.0044%; no homozygotes.

Submission:

Labcorp Genetics (formerly Invitae), Labcorp
Classification: Likely pathogenic. Last evaluated: 2025-03-17. Review status: criteria provided, single submitter. Criteria: Invitae Variant Classification Sherloc (09022015). Collection method: clinical testing. Allele origin: germline.
Comment: This sequence change replaces alanine, which is neutral and non-polar, with threonine, which is neutral and polar, at codon 375 of the LRP5 protein (p.Ala375Thr). This variant is present in population databases (rs750784979, gnomAD 0.003%). This missense change has been observed in individuals with exudative vitreoretinopathy (PMID: 30452590, 34860240). It has also been observed to segregate with disease in related individuals. ClinVar contains an entry for this variant (Variation ID: 2884039). Invitae Evidence Modeling of protein sequence and biophysical properties (such as structural, functional, and spatial information, amino acid conservation, physicochemical variation, residue mobility, and thermodynamic stability) has been performed for this missense variant. However, the output from this modeling did not meet the statistical confidence thresholds required to predict the impact of this variant on LRP5 protein function. In summary, the currently available evidence indicates that the variant is pathogenic, but additional data are needed to prove that conclusively. Therefore, this variant has been classified as Likely Pathogenic.

Literature cited by the submitters: PubMed 30452590; PubMed 34860240.